The following is an entry in ClinVar:

NM_001848.3(COL6A1):c.555_557del (p.Lys185_Val186delinsAsn)

Gene: COL6A1 (collagen type VI alpha 1 chain; plus strand). Cytogenetic location: 21q22.3.
Variant type: Deletion.
Coding change: c.555_557del on transcript NM_001848.3 (MANE Select); coding-DNA positions 555 to 557, 3 bases deleted (AGT; older notation c.555_557delAGT).
Protein change: p.Lys185_Val186delinsAsn.
Molecular consequence: inframe indel.
Genome position (GRCh38, 1-based): chr21:45,986,652-45,986,654, AGT deleted. VCF-style (leftmost placement, unchanged base first): chr21-45986651-AAGT-A. GRCh37 (hg19) VCF-style: chr21-47406565-AAGT-A.
Identifiers: ClinVar variation 2032281 (VCV002032281.4), dbSNP rs2526315086, ClinGen allele CA2580098873.

ClinVar aggregate classification (germline): Uncertain significance (1 of 4 stars; one submission).

Conditions:
Bethlem myopathy 1A. Also called: MYOPATHY, BENIGN CONGENITAL, WITH CONTRACTURES; Bethlem myopathy 1; Bethlem Muscular Dystrophy. Identifiers: Orphanet 610, MedGen CN029274, MONDO:0024530, OMIM 158810.

Submission:

Labcorp Genetics (formerly Invitae), Labcorp
Classification: Uncertain significance for Bethlem myopathy 1A. Last evaluated: 2022-09-23. Review status: criteria provided, single submitter. Criteria: Invitae Variant Classification Sherloc (09022015). Collection method: clinical testing. Allele origin: germline.
Comment: This variant, c.555_557del, is a complex sequence change that results in the deletion of 2 and insertion of 1 amino acid(s) in the COL6A1 protein (p.Lys185_Val186delinsAsn). This variant is not present in population databases (gnomAD no frequency). This variant has not been reported in the literature in individuals affected with COL6A1-related conditions. Experimental studies and prediction algorithms are not available or were not evaluated, and the functional significance of this variant is currently unknown. In summary, the available evidence is currently insufficient to determine the role of this variant in disease. Therefore, it has been classified as a Variant of Uncertain Significance.